The following is an entry in ClinVar:

NM_024928.5(STN1):c.210T>G (p.Asp70Glu)

Gene: STN1 (STN1 subunit of CST complex; minus strand). Cytogenetic location: 10q24.33.
Variant type: single nucleotide variant.
Coding change: c.210T>G on transcript NM_024928.5 (MANE Select); coding-DNA position 210, T replaced by G.
Protein change: p.Asp70Glu; replaces aspartic acid 70 with glutamic acid.
Molecular consequence: missense variant.
Genome position (GRCh38, 1-based): chr10:103,910,546, A>C on the plus strand (T>G on the coding strand, the complement: STN1 is on the minus strand). VCF-style: chr10-103910546-A-C. GRCh37 (hg19) VCF-style: chr10-105670304-A-C.
Other names: c.210T>G (NM_024928.4); short protein forms D70E.
Identifiers: ClinVar variation 2139047 (VCV002139047.4), dbSNP rs753319395, ClinGen allele CA5676710.
Genomic context (GRCh38, chr10:103,910,546, plus strand): 5'-GCCTTCTACATCAACTTCATTTCAGACACAATTGTTCTTACCTCCATAACTGTAGAAAGC[A>C]TCTCTTTCTCTCACTCCAATGACAGTTCCCAAGACATCTACCTGTTTTATTGGATGTCCA-3'
Protein context (NP_079204.2, residues 60-80): LGTVIGVRER[Asp70Glu]AFYSYGVDDS

ClinVar aggregate classification (germline): Uncertain significance. Review status: criteria provided, multiple submitters, no conflicts (2 of 4 stars). 3 submissions from 3 submitters: Uncertain significance (3). Last evaluated 2024-11-28.

Conditions:
Cerebroretinal microangiopathy with calcifications and cysts 2 (CRMCC2). Identifiers: MedGen C4479220, MONDO:0015026, OMIM 617341.
Inborn genetic diseases. Identifiers: MedGen C0950123, MeSH D030342.

Allele frequency attached by ClinVar (database versions not stated): gnomAD exomes below 0.00001; TOPMed below 0.00001; ExAC 0.00001; gnomAD 0.00001.
gnomAD v4.1: 7 of 1,601,128 alleles (0.00044%); highest among the groups gnomAD compares: Admixed American, 0.0083%; no homozygotes.

Submissions (3):

Ambry Genetics
Classification: Uncertain significance for Inborn genetic diseases. Last evaluated: 2024-11-28. Review status: criteria provided, single submitter. Criteria: Ambry Variant Classification Scheme 2023. Collection method: clinical testing. Allele origin: germline.

Fulgent Genetics
Classification: Uncertain significance for Cerebroretinal microangiopathy with calcifications and cysts 2. Last evaluated: 2024-05-17. Review status: criteria provided, single submitter. Criteria: ACMG Guidelines, 2015. Collection method: clinical testing. Allele origin: germline.

Labcorp Genetics (formerly Invitae), Labcorp
Classification: Uncertain significance. Last evaluated: 2023-11-12. Review status: criteria provided, single submitter. Criteria: Invitae Variant Classification Sherloc (09022015). Collection method: clinical testing. Allele origin: germline.
Comment: This sequence change replaces aspartic acid, which is acidic and polar, with glutamic acid, which is acidic and polar, at codon 70 of the STN1 protein (p.Asp70Glu). This variant is present in population databases (rs753319395, gnomAD 0.009%). This variant has not been reported in the literature in individuals affected with STN1-related conditions. ClinVar contains an entry for this variant (Variation ID: 2139047). Advanced modeling of protein sequence and biophysical properties (such as structural, functional, and spatial information, amino acid conservation, physicochemical variation, residue mobility, and thermodynamic stability) performed at Invitae indicates that this missense variant is not expected to disrupt STN1 protein function with a negative predictive value of 80%. In summary, the available evidence is currently insufficient to determine the role of this variant in disease. Therefore, it has been classified as a Variant of Uncertain Significance.